The following is an entry in ClinVar:

NM_182961.4(SYNE1):c.18605T>A (p.Val6202Asp)

Gene: SYNE1 (spectrin repeat containing nuclear envelope protein 1; minus strand). Cytogenetic location: 6q25.2.
Variant type: single nucleotide variant.
Coding change: c.18605T>A on transcript NM_182961.4 (MANE Select); coding-DNA position 18605, T replaced by A.
Protein change: p.Val6202Asp; replaces valine 6202 with aspartic acid.
Molecular consequence: missense variant.
Genome position (GRCh38, 1-based): chr6:152,269,255, A>T on the plus strand (T>A on the coding strand, the complement: SYNE1 is on the minus strand). VCF-style: chr6-152269255-A-T. GRCh37 (hg19) VCF-style: chr6-152590390-A-T.
Other names: c.18392T>A, p.Val6131Asp (NM_033071.5); short protein forms V6131D, V6202D.
Identifiers: ClinVar variation 1948846 (VCV001948846.3), dbSNP rs986634764, ClinGen allele CA150173115.

ClinVar aggregate classification (germline): Uncertain significance (1 of 4 stars; one submission).

Conditions:
Emery-Dreifuss muscular dystrophy 4, autosomal dominant (EDMD4). Also called: EMERY-DREIFUSS MUSCULAR DYSTROPHY 4 WITH VARIABLE FEATURES. Identifiers: Orphanet 261, MedGen C2751807, MONDO:0013071, OMIM 612998.
Autosomal recessive ataxia, Beauce type. Also called: SYNE1 Deficiency; Spinocerebellar ataxia, autosomal recessive 8; ATAXIA, RECESSIVE, OF BEAUCE; SYNE1-Related Autosomal Recessive Cerebellar Ataxia. Identifiers: Orphanet 88644, MedGen C1853116, MONDO:0012549, OMIM 610743.

Allele frequency attached by ClinVar (database versions not stated): gnomAD 0.00001; TOPMed 0.00002.
gnomAD v4.1: 3 of 1,614,070 alleles (0.00019%); highest among the groups gnomAD compares: Admixed American, 0.0017%; no homozygotes.

Submission:

Labcorp Genetics (formerly Invitae), Labcorp
Classification: Uncertain significance for Emery-Dreifuss muscular dystrophy 4, autosomal dominant; Autosomal recessive ataxia, Beauce type. Last evaluated: 2022-03-11. Review status: criteria provided, single submitter. Criteria: Invitae Variant Classification Sherloc (09022015). Collection method: clinical testing. Allele origin: germline.
Comment: In summary, the available evidence is currently insufficient to determine the role of this variant in disease. Therefore, it has been classified as a Variant of Uncertain Significance. Algorithms developed to predict the effect of missense changes on protein structure and function are either unavailable or do not agree on the potential impact of this missense change (SIFT: "Deleterious"; PolyPhen-2: "Benign"; Align-GVGD: "Class C15"). This variant has not been reported in the literature in individuals affected with SYNE1-related conditions. This variant is present in population databases (no rsID available, gnomAD 0.003%). This sequence change replaces valine, which is neutral and non-polar, with aspartic acid, which is acidic and polar, at codon 6131 of the SYNE1 protein (p.Val6131Asp).